The following is an entry in ClinVar:

NM_021072.4(HCN1):c.2537C>G (p.Ser846Trp)

Gene: HCN1 (hyperpolarization activated cyclic nucleotide gated potassium channel 1; minus strand). Cytogenetic location: 5p12.
Variant type: single nucleotide variant.
Coding change: c.2537C>G on transcript NM_021072.4 (MANE Select); coding-DNA position 2537, C replaced by G.
Protein change: p.Ser846Trp; replaces serine 846 with tryptophan.
Molecular consequence: missense variant.
Genome position (GRCh38, 1-based): chr5:45,262,057, G>C on the plus strand (C>G on the coding strand, the complement: HCN1 is on the minus strand). VCF-style: chr5-45262057-G-C. GRCh37 (hg19) VCF-style: chr5-45262159-G-C.
Other names: short protein forms S846W.
Identifiers: ClinVar variation 1313491 (VCV001313491.2), dbSNP rs1477444033, ClinGen allele CA359703142.

ClinVar aggregate classification (germline): Uncertain significance (1 of 4 stars; one submission).

Allele frequency attached by ClinVar (database versions not stated): gnomAD exomes below 0.00001.
gnomAD v4.1: 1 of 1,613,874 alleles (0.000062%); highest among the groups gnomAD compares: African/African-American, 0.0013%; no homozygotes.

Submission:

GeneDx
Classification: Uncertain significance. Last evaluated: 2020-10-19. Review status: criteria provided, single submitter. Criteria: GeneDx Variant Classification Process June 2021. Collection method: clinical testing. Allele origin: germline. Affected: yes.
Comment: Not observed in large population cohorts (Lek et al., 2016); In silico analysis supports that this missense variant has a deleterious effect on protein structure/function; Has not been previously published as pathogenic or benign to our knowledge